The following is an entry in ClinVar:

ClinVar aggregate classification (germline): Likely benign. Review status: criteria provided, multiple submitters, no conflicts (2 of 4 stars). 6 submissions from 6 submitters: Likely benign (6). Last evaluated 2025-12-01.

Conditions:
Cardiovascular phenotype. Identifiers: MedGen CN230736.
Cardiac arrhythmia. Also called: Arrhythmia; Cardiac rhythm disease. Identifiers: MedGen C0003811, MONDO:0007263, HP:0011675.
Long QT syndrome (LQTS). Identifiers: MedGen C0023976, MeSH D008133, MONDO:0002442. Disease mechanism: loss of function. Inheritance: Various modes of inheritance.

Allele frequency attached by ClinVar (database versions not stated): gnomAD exomes 0.00001 and 0.00002; ExAC 0.00003; TOPMed 0.00003.
gnomAD v4.1: 20 of 1,613,824 alleles (0.0012%); highest among the groups gnomAD compares: Admixed American, 0.013%; 1 homozygote.

Submissions (6):

Ambry Genetics
Classification: Likely benign for Cardiovascular phenotype. Last evaluated: 2025-12-01. Review status: criteria provided, single submitter. Criteria: Ambry Variant Classification Scheme 2023. Collection method: clinical testing. Allele origin: germline.

Blueprint Genetics
Classification: Likely benign. Last evaluated: 2024-04-29. Review status: criteria provided, single submitter. Criteria: ACMG Guidelines, 2015. Collection method: clinical testing. Allele origin: germline.

All of Us Research Program, National Institutes of Health
Classification: Likely benign for Long QT syndrome. Last evaluated: 2023-12-13. Review status: criteria provided, single submitter. Criteria: ACMG Guidelines, 2015. Collection method: clinical testing. Allele origin: germline. Inheritance: Autosomal dominant inheritance. Observed: 4 variant alleles, 4 heterozygotes.
Comment: This study involves interpretation of variants in research participants for the purpose of population health screening. Participant phenotype was not available at the time of variant classification. Additional details can be found in publication PMID: 35346344, PMCID: PMC8962531

Labcorp Genetics (formerly Invitae), Labcorp
Classification: Likely benign for Long QT syndrome. Last evaluated: 2023-07-13. Review status: criteria provided, single submitter. Criteria: Invitae Variant Classification Sherloc (09022015). Collection method: clinical testing. Allele origin: germline.

Color Diagnostics, LLC DBA Color Health
Classification: Likely benign for Arrhythmia. Last evaluated: 2018-10-30. Review status: criteria provided, single submitter. Criteria: ACMG Guidelines, 2015. Collection method: clinical testing. Allele origin: germline.

Laboratory for Molecular Medicine, Mass General Brigham Personalized Medicine
Classification: Likely benign. Last evaluated: 2014-08-12. Review status: criteria provided, single submitter. Criteria: LMM Criteria. Collection method: clinical testing. Allele origin: germline. Observed: 1 variant allele.
Comment: Gly316Gly in exon 7 of KCNQ1: This variant is not expected to have clinical sign ificance because it does not alter an amino acid residue and is not located with in the splice consensus sequence.

NM_000218.3(KCNQ1):c.948G>C (p.Gly316=)

Gene: KCNQ1 (potassium voltage-gated channel subfamily Q member 1; plus strand). Cytogenetic location: 11p15.5.
Variant type: single nucleotide variant.
Coding change: c.948G>C on transcript NM_000218.3 (MANE Select); coding-DNA position 948, G replaced by C.
Protein change: p.Gly316=; no amino-acid change (glycine 316 retained).
Molecular consequence: synonymous variant.
Genome position (GRCh38, 1-based): chr11:2,583,461, G>C. VCF-style: chr11-2583461-G-C. GRCh37 (hg19) VCF-style: chr11-2604691-G-C.
Other names: c.948G>C, p.Gly316= (NM_001406836.1); c.678G>C, p.Gly226= (NM_001406837.1); c.504G>C, p.Gly168= (NM_001406838.1); c.567G>C, p.Gly189= (NM_181798.2).
Identifiers: ClinVar variation 179935 (VCV000179935.18), dbSNP rs727505231, ClinGen allele CA008864.